The following is an entry in ClinVar:

ClinVar aggregate classification (germline): Uncertain significance (1 of 4 stars; one submission).

Conditions:
Alzheimer disease. Also called: Alzheimer's disease; Presenile and senile dementia. Identifiers: Orphanet 1020, MedGen C0002395, MeSH D000544, MONDO:0004975, HP:0002511.

gnomAD v4.1: 1 of 1,613,880 alleles (0.000062%); highest among the groups gnomAD compares: South Asian, 0.0011%; no homozygotes.

Submission:

Labcorp Genetics (formerly Invitae), Labcorp
Classification: Uncertain significance for Alzheimer disease. Last evaluated: 2024-01-22. Review status: criteria provided, single submitter. Criteria: Invitae Variant Classification Sherloc (09022015). Collection method: clinical testing. Allele origin: germline.
Comment: This sequence change replaces arginine, which is basic and polar, with lysine, which is basic and polar, at codon 397 of the APP protein (p.Arg397Lys). This variant is not present in population databases (gnomAD no frequency). This variant has not been reported in the literature in individuals affected with APP-related conditions. ClinVar contains an entry for this variant (Variation ID: 1462927). Advanced modeling of protein sequence and biophysical properties (such as structural, functional, and spatial information, amino acid conservation, physicochemical variation, residue mobility, and thermodynamic stability) performed at Invitae indicates that this missense variant is not expected to disrupt APP protein function with a negative predictive value of 95%. In summary, the available evidence is currently insufficient to determine the role of this variant in disease. Therefore, it has been classified as a Variant of Uncertain Significance.

NM_000484.4(APP):c.1190G>A (p.Arg397Lys)

Gene: APP (amyloid beta precursor protein; minus strand). Cytogenetic location: 21q21.3.
Variant type: single nucleotide variant.
Coding change: c.1190G>A on transcript NM_000484.4 (MANE Select); coding-DNA position 1190, G replaced by A.
Protein change: p.Arg397Lys; replaces arginine 397 with lysine.
Molecular consequence: missense variant.
Genome position (GRCh38, 1-based): chr21:25,982,378, C>T on the plus strand (G>A on the coding strand, the complement: APP is on the minus strand). VCF-style: chr21-25982378-C-T. GRCh37 (hg19) VCF-style: chr21-27354691-C-T.
Other names: c.1118G>A, p.Arg373Lys (NM_001136016.3); c.797G>A, p.Arg266Lys (NM_001136129.3); c.1022G>A, p.Arg341Lys (NM_001136130.3, NM_001385253.1); c.860G>A, p.Arg287Lys (NM_001136131.3); c.1190G>A, p.Arg397Lys (NM_001204301.2); c.1133G>A, p.Arg378Lys (NM_001204302.2, NM_201413.3); c.965G>A, p.Arg322Lys (NM_001204303.2, NM_201414.3); short protein forms R266K, R322K, R373K, R287K, R341K, R378K, R397K.
Identifiers: ClinVar variation 1462927 (VCV001462927.8), dbSNP rs913378009, ClinGen allele CA409810548.